The following is an entry in ClinVar:

ClinVar aggregate classification (germline): Uncertain significance (1 of 4 stars; one submission).

Conditions:
Fanconi anemia complementation group J. Also called: BRIP1-Related Fanconi Anemia. Identifiers: Orphanet 84, MedGen C1836860, MONDO:0012187, OMIM 609054.
Familial cancer of breast. Also called: hereditary breast carcinoma; Hereditary breast cancer; BREAST CANCER, FAMILIAL. Identifiers: Orphanet 227535, MedGen C0346153, MONDO:0016419, OMIM 114480. Disease mechanism: loss of function.

Submission:

Labcorp Genetics (formerly Invitae), Labcorp
Classification: Uncertain significance for Familial cancer of breast; Fanconi anemia complementation group J. Last evaluated: 2020-02-20. Review status: criteria provided, single submitter. Criteria: Invitae Variant Classification Sherloc (09022015). Collection method: clinical testing. Allele origin: germline.
Comment: This sequence change replaces serine with phenylalanine at codon 1095 of the BRIP1 protein (p.Ser1095Phe). The serine residue is weakly conserved and there is a large physicochemical difference between serine and phenylalanine. This variant is not present in population databases (ExAC no frequency). This variant has not been reported in the literature in individuals with BRIP1-related conditions. Algorithms developed to predict the effect of missense changes on protein structure and function (SIFT, PolyPhen-2, Align-GVGD) all suggest that this variant is likely to be tolerated, but these predictions have not been confirmed by published functional studies and their clinical significance is uncertain. In summary, the available evidence is currently insufficient to determine the role of this variant in disease. Therefore, it has been classified as a Variant of Uncertain Significance.

NM_032043.3(BRIP1):c.3284C>T (p.Ser1095Phe)

Gene: BRIP1 (BRCA1 interacting DNA helicase 1; minus strand). Cytogenetic location: 17q23.2.
Variant type: single nucleotide variant.
Coding change: c.3284C>T on transcript NM_032043.3 (MANE Select); coding-DNA position 3284, C replaced by T.
Protein change: p.Ser1095Phe; replaces serine 1095 with phenylalanine.
Molecular consequence: missense variant.
Genome position (GRCh38, 1-based): chr17:61,683,762, G>A on the plus strand (C>T on the coding strand, the complement: BRIP1 is on the minus strand). VCF-style: chr17-61683762-G-A. GRCh37 (hg19) VCF-style: chr17-59761123-G-A.
Other names: short protein forms S1095F.
Identifiers: ClinVar variation 1055888 (VCV001055888.10), dbSNP rs1479296707, ClinGen allele CA400479057.